The following is an entry in ClinVar:

ClinVar aggregate classification (germline): Uncertain significance (1 of 4 stars; one submission).

Submission:

GeneDx
Classification: Uncertain significance. Last evaluated: 2026-04-18. Review status: criteria provided, single submitter. Criteria: GeneDx Variant Classification Process June 2021. Collection method: clinical testing. Allele origin: germline.
Comment: Not observed at significant frequency in large population cohorts (gnomAD); In silico analysis supports that this missense variant has a deleterious effect on protein structure/function; Has not been previously published as pathogenic or benign to our knowledge

NM_001039469.3(MARK2):c.185G>T (p.Gly62Val)

Gene: MARK2 (microtubule affinity regulating kinase 2; plus strand). Cytogenetic location: 11q13.1.
Variant type: single nucleotide variant.
Coding change: c.185G>T on transcript NM_001039469.3 (MANE Select); coding-DNA position 185, G replaced by T.
Protein change: p.Gly62Val; replaces glycine 62 with valine.
Molecular consequence: missense variant.
Genome position (GRCh38, 1-based): chr11:63,895,289, G>T. VCF-style: chr11-63895289-G-T. GRCh37 (hg19) VCF-style: chr11-63662761-G-T.
Other names: c.185G>T, p.Gly62Val (NM_001163296.2, NM_001163297.2, NM_004954.5); c.86G>T, p.Gly29Val (NM_017490.4); short protein forms G29V, G62V.
Identifiers: ClinVar variation 5037403 (VCV005037403.1).